The following is an entry in ClinVar:

ClinVar aggregate classification (germline): Conflicting classifications of pathogenicity. Review status: criteria provided, conflicting classifications (1 of 4 stars). 3 submissions from 3 submitters: Uncertain significance (2); Likely benign (1). Last evaluated 2023-03-23.

Conditions:
Hereditary cancer-predisposing syndrome. Also called: Neoplastic Syndromes, Hereditary; Tumor predisposition; Hereditary neoplastic syndrome; Hereditary Cancer Syndrome. Identifiers: Orphanet 140162, MedGen C0027672, MeSH D009386, MONDO:0015356.
Hereditary breast ovarian cancer syndrome. Also called: BRCA1- and BRCA2-Associated Hereditary Breast and Ovarian Cancer; Hereditary breast and ovarian cancer; Hereditary breast and ovarian cancer syndrome; Hereditary breast and ovarian cancer syndrome (HBOC); Breast and ovarian cancer; Hereditary breast and/or ovarian cancer syndrome. Identifiers: Orphanet 145, MedGen C0677776, MeSH D061325, MONDO:0003582. Disease mechanism: loss of function.

Submissions (3):

University of Washington Department of Laboratory Medicine, University of Washington
Classification: Likely benign for Hereditary cancer-predisposing syndrome. Last evaluated: 2023-03-23. Review status: criteria provided, single submitter. Criteria: Dines et al. (Genet Med. 2020). Collection method: curation. Allele origin: germline.
Comment: Missense variant in a coldspot region where missense variants are very unlikely to be pathogenic (PMID:31911673).

BRCA2 exon 11 coldspot. Reclassification based on statistical prior probability.

Labcorp Genetics (formerly Invitae), Labcorp
Classification: Uncertain significance for Hereditary breast ovarian cancer syndrome. Last evaluated: 2021-11-25. Review status: criteria provided, single submitter. Criteria: Invitae Variant Classification Sherloc (09022015). Collection method: clinical testing. Allele origin: germline.
Comment: This variant has not been reported in the literature in individuals affected with BRCA2-related conditions. This sequence change replaces asparagine, which is neutral and polar, with isoleucine, which is neutral and non-polar, at codon 1228 of the BRCA2 protein (p.Asn1228Ile). This variant is not present in population databases (gnomAD no frequency). Advanced modeling of protein sequence and biophysical properties (such as structural, functional, and spatial information, amino acid conservation, physicochemical variation, residue mobility, and thermodynamic stability) performed at Invitae indicates that this missense variant is not expected to disrupt BRCA2 protein function. In summary, the available evidence is currently insufficient to determine the role of this variant in disease. Therefore, it has been classified as a Variant of Uncertain Significance.

Ambry Genetics
Classification: Uncertain significance for Hereditary cancer-predisposing syndrome. Last evaluated: 2021-08-24. Review status: criteria provided, single submitter. Criteria: Ambry Variant Classification Scheme 2023. Collection method: clinical testing. Allele origin: germline.
Comment: The p.N1228I variant (also known as c.3683A>T), located in coding exon 10 of the BRCA2 gene, results from an A to T substitution at nucleotide position 3683. The asparagine at codon 1228 is replaced by isoleucine, an amino acid with dissimilar properties. This amino acid position is not well conserved in available vertebrate species. In addition, the in silico prediction for this alteration is inconclusive. Since supporting evidence is limited at this time, the clinical significance of this alteration remains unclear.

NM_000059.4(BRCA2):c.3683A>T (p.Asn1228Ile)

Gene: BRCA2 (BRCA2 DNA repair associated; plus strand). Cytogenetic location: 13q13.1.
Variant type: single nucleotide variant.
Coding change: c.3683A>T on transcript NM_000059.4 (MANE Select); coding-DNA position 3683, A replaced by T.
Protein change: p.Asn1228Ile; replaces asparagine 1228 with isoleucine.
Molecular consequence: missense variant.
Genome position (GRCh38, 1-based): chr13:32,338,038, A>T. VCF-style: chr13-32338038-A-T. GRCh37 (hg19) VCF-style: chr13-32912175-A-T.
Other names: short protein forms N1228I.
Identifiers: ClinVar variation 1353554 (VCV001353554.9), dbSNP rs786202838, ClinGen allele CA387778014.